The following is an entry in ClinVar:

ClinVar aggregate classification (germline): Uncertain significance (1 of 4 stars; one submission).

Conditions:
Congenital myasthenic syndrome 8. Also called: MYASTHENIC SYNDROME, CONGENITAL, DUE TO AGRIN DEFICIENCY; Myasthenic syndrome, congenital, 8, with pre- and postsynaptic defects. Identifiers: Orphanet 590, MedGen C3808739, MONDO:0014052, OMIM 615120.

Allele frequency attached by ClinVar (database versions not stated): gnomAD 0.00001; gnomAD exomes 0.00003 and 0.00004; ExAC 0.00011; TOPMed below 0.00001.

Submission:

Labcorp Genetics (formerly Invitae), Labcorp
Classification: Uncertain significance for Congenital myasthenic syndrome 8. Last evaluated: 2023-10-03. Review status: criteria provided, single submitter. Criteria: Invitae Variant Classification Sherloc (09022015). Collection method: clinical testing. Allele origin: germline.
Comment: This sequence change replaces glycine, which is neutral and non-polar, with serine, which is neutral and polar, at codon 1733 of the AGRN protein (p.Gly1733Ser). This variant is present in population databases (rs746321629, gnomAD 0.008%). This variant has not been reported in the literature in individuals affected with AGRN-related conditions. ClinVar contains an entry for this variant (Variation ID: 1506805). An algorithm developed to predict the effect of missense changes on protein structure and function (PolyPhen-2) suggests that this variant is likely to be disruptive. In summary, the available evidence is currently insufficient to determine the role of this variant in disease. Therefore, it has been classified as a Variant of Uncertain Significance.

NM_198576.4(AGRN):c.5197G>A (p.Gly1733Ser)

Genes: AGRN (agrin; plus strand), LOC129929078 (ATAC-STARR-seq lymphoblastoid silent region 24; plus strand). Cytogenetic location: 1p36.33.
Variant type: single nucleotide variant.
Coding change: c.5197G>A on transcript NM_198576.4 (MANE Select); coding-DNA position 5197, G replaced by A.
Protein change: p.Gly1733Ser; replaces glycine 1733 with serine.
Molecular consequence: missense variant.
Genome position (GRCh38, 1-based): chr1:1,050,781, G>A. VCF-style: chr1-1050781-G-A. GRCh37 (hg19) VCF-style: chr1-986161-G-A.
Other names: c.5197G>A, p.Gly1733Ser (NM_001305275.2); c.4882G>A, p.Gly1628Ser (NM_001364727.2); short protein forms G1628S, G1733S.
Identifiers: ClinVar variation 1506805 (VCV001506805.8), dbSNP rs746321629, ClinGen allele CA509906.